The following is an entry in ClinVar:

NM_001042424.3(NSD2):c.3375C>T (p.Asp1125=)

Gene: NSD2 (nuclear receptor binding SET domain protein 2; plus strand). Cytogenetic location: 4p16.3.
Variant type: single nucleotide variant.
Coding change: c.3375C>T on transcript NM_001042424.3 (MANE Select); coding-DNA position 3375, C replaced by T.
Protein change: p.Asp1125=; no amino-acid change (aspartic acid 1125 retained).
Molecular consequence: synonymous variant.
Genome position (GRCh38, 1-based): chr4:1,974,865, C>T. VCF-style: chr4-1974865-C-T. GRCh37 (hg19) VCF-style: chr4-1976592-C-T.
Other names: c.3375C>T, p.Asp1125= (NM_133330.3, NM_133331.3, NM_133335.4); c.3375C>T (NM_001042424.2).
Identifiers: ClinVar variation 724154 (VCV000724154.15), dbSNP rs138599183, ClinGen allele CA2812770.

ClinVar aggregate classification (germline): Benign/Likely benign. Review status: criteria provided, multiple submitters, no conflicts (2 of 4 stars). 3 submissions from 3 submitters: Benign (1); Likely benign (1). 1 of the submissions does not count toward it. Last evaluated 2026-06-01.

Conditions:
NSD2-related disorder. Also called: NSD2 related disorders; NSD2-related condition.

Allele frequency attached by ClinVar (database versions not stated): gnomAD exomes 0.00020 and 0.00056; ExAC 0.00072; 1000 Genomes Project 0.00140; 1000 Genomes Project 30x 0.00141; gnomAD 0.00238 and 0.00260; ESP Exome Variant Server 0.00254; TOPMed 0.00277.
gnomAD v4.1: 655 of 1,614,226 alleles (0.041%); highest among the groups gnomAD compares: African/African-American, 0.79%; 1 homozygote.

Submissions (3):

CeGaT Center for Human Genetics Tuebingen
Classification: Likely benign. Last evaluated: 2026-06-01. Review status: criteria provided, single submitter. Criteria: CeGaT Center For Human Genetics Tuebingen Variant Classification Criteria Version 2. Collection method: clinical testing. Allele origin: germline. Affected: yes. Observed: 1 variant allele.
Comment: NSD2: BP4, BP7

Labcorp Genetics (formerly Invitae), Labcorp
Classification: Benign. Last evaluated: 2025-11-10. Review status: criteria provided, single submitter. Criteria: Invitae Variant Classification Sherloc (09022015). Collection method: clinical testing. Allele origin: germline.

PreventionGenetics, part of Exact Sciences
Classification: Benign for NSD2-related condition. Last evaluated: 2019-08-28. Review status: no assertion criteria provided. Collection method: clinical testing. Allele origin: germline. Not counted in ClinVar's aggregate classification.
Comment: This variant is classified as benign based on ACMG/AMP sequence variant interpretation guidelines (Richards et al. 2015 PMID: 25741868, with internal and published modifications).